The following is an entry in ClinVar:

NM_000492.4(CFTR):c.3140-11A>G

Genes: CFTR (CF transmembrane conductance regulator; plus strand), CFTR-AS2 (CFTR antisense RNA 2; minus strand), LOC111674472 (DNase I hypersensitive sites in introns 16 and 17a of CFTR; plus strand). Cytogenetic location: 7q31.2.
Variant type: single nucleotide variant.
Coding change: c.3140-11A>G on transcript NM_000492.4 (MANE Select); 11 bases into the intron before coding-DNA position 3140, A replaced by G.
Molecular consequence: intron variant.
Genome position (GRCh38, 1-based): chr7:117,611,570, A>G. VCF-style: chr7-117611570-A-G. GRCh37 (hg19) VCF-style: chr7-117251624-A-G.
Other names: p.?; c.3140-11A>G (NM_000492.3).
Identifiers: ClinVar variation 2503924 (VCV002503924.8), dbSNP rs1234696445, ClinGen allele CA577680846.

ClinVar aggregate classification (germline): Conflicting classifications of pathogenicity. Review status: criteria provided, conflicting classifications (1 of 4 stars). 5 submissions from 5 submitters: Likely pathogenic (3); Uncertain significance (2). Last evaluated 2026-01-21.

Conditions:
Cystic fibrosis (CF). Also called: MUCOVISCIDOSIS. Identifiers: Orphanet 586, MedGen C0010674, MONDO:0009061, OMIM 219700. Disease mechanism: loss of function.
CFTR-related disorder (CFTR-RD). Also called: CFTR-related disorders; CFTR-related condition. Identifiers: MedGen C5924204, MONDO:7770004.

Allele frequency attached by ClinVar (database versions not stated): gnomAD exomes below 0.00001.
gnomAD v4.1: 1 of 1,498,194 alleles (0.000067%); highest among the groups gnomAD compares: Admixed American, 0.0017%; no homozygotes.

Submissions (5):

Natera, Inc.
Classification: Likely pathogenic for CFTR-related disorders. Last evaluated: 2026-01-21. Review status: criteria provided, single submitter. Criteria: Natera Variant Classification Schema (03/2026). Collection method: clinical testing. Allele origin: germline.
Comment: The c.3140-11A>G variant in CFTR is an intronic variant located outside the canonical splice sites. This variant is rare in the general population with a frequency below the threshold expected for the associated phenotype(s). This variant has been observed in one or more individuals affected with the associated recessive disease, as either homozygous or compound heterozygous with a second variant (PMID: 39151434, 29504914, 29333815). Computational prediction algorithms indicate this variant is likely to affect gene or protein function. Given the available evidence, this variant is classified as Likely Pathogenic.

Labcorp Genetics (formerly Invitae), Labcorp
Classification: Likely pathogenic for Cystic fibrosis. Last evaluated: 2025-09-02. Review status: criteria provided, single submitter. Criteria: Invitae Variant Classification Sherloc (09022015). Collection method: clinical testing. Allele origin: germline.
Comment: This sequence change falls in intron 19 of the CFTR gene. It does not directly change the encoded amino acid sequence of the CFTR protein. This variant is present in population databases (no rsID available, gnomAD 0.003%). This variant has been observed in individual(s) with cystic fibrosis (PMID: 20659818, 29333815, 29504914; internal data). In at least one individual the data is consistent with being in trans (on the opposite chromosome) from a pathogenic variant. This variant is also known as 3272-11A>G. ClinVar contains an entry for this variant (Variation ID: 2503924). Algorithms developed to predict the effect of sequence changes on RNA splicing suggest that this variant may disrupt the consensus splice site. In summary, the currently available evidence indicates that the variant is pathogenic, but additional data are needed to prove that conclusively. Therefore, this variant has been classified as Likely Pathogenic.

Women's Health and Genetics/Laboratory Corporation of America, LabCorp
Classification: Likely pathogenic for Cystic fibrosis. Last evaluated: 2025-06-16. Review status: criteria provided, single submitter. Criteria: LabCorp Variant Classification Summary - May 2015. Collection method: clinical testing. Allele origin: germline.
Comment: Variant summary: CFTR c.3140-11A>G alters a non-conserved nucleotide located at a position not widely known to affect splicing. Several computational tools predict a significant impact on normal splicing: Two predict the variant abolishes the canonical 3' acceptor site. Two predict the variant creates a new intronic 3' splicing acceptor site that is predicted to result in the inclusion of 10 additional nucleotides in exon 20. However, these predictions have yet to be confirmed by functional studies. The variant allele was found at a frequency of 4.1e-06 in 246740 control chromosomes. c.3140-11A>G has been reported in the literature as a homozygous or compound heterozygous genotype in at-least two individuals affected with Cystic Fibrosis (example, Makukh_2010, Ivanov_2018, Krsyanowska_2018 overlapping with Krzyanowska-Jankowska_2020). These data indicate that the variant may be associated with disease. To our knowledge, no experimental evidence demonstrating an impact on protein function has been reported. The following publications have been ascertained in the context of this evaluation (PMID: 29504914, 32633402, 29333815, 20659818). ClinVar contains an entry for this variant (Variation ID: 2503924). Based on the evidence outlined above, the variant was classified as likely pathogenic.

Mayo Clinic Laboratories, Mayo Clinic
Classification: Uncertain significance. Last evaluated: 2025-04-14. Review status: criteria provided, single submitter. Criteria: ACMG Guidelines, 2015. Collection method: clinical testing. Allele origin: germline. Observed: 1 variant allele.
Comment: PP3, PM2_supporting

3billion
Classification: Uncertain significance for Cystic fibrosis. Last evaluated: 2024-07-15. Review status: criteria provided, single submitter. Criteria: ACMG Guidelines, 2015. Collection method: clinical testing. Allele origin: germline. Affected: yes.
Comment: The variant is observed at an extremely low frequency in the gnomAD v4.0.0 dataset (total allele frequency: <0.001%). Predicted Consequence/Location: Intron variant In silico tools predict the variant to alter splicing and produce an abnormal transcript [SpliceAI: 0.84 (>=0.2, moderate evidence for spliceogenicity)]. The variant has been reported to be associated with CFTR related disorder (ClinVar: VCV002503924.2). However, the evidence of pathogenicity is insufficient at this time. Therefore, this variant is classified as VUS according to the recommendation of ACMG/AMP guideline.

Literature cited by the submitters: PubMed 39151434 (cited by Natera, Inc.); PubMed 29504914 (cited by 4 submitters); PubMed 29333815 (cited by 4 submitters); PubMed 20659818 (cited by 3 submitters); PubMed 32633402 (cited by Women's Health and Genetics/Laboratory Corporation of America, LabCorp); PubMed 25525159 (cited by Mayo Clinic Laboratories, Mayo Clinic).